The following is an entry in ClinVar:

NM_177550.5(SLC13A5):c.920G>A (p.Arg307Gln)

Gene: SLC13A5 (solute carrier family 13 member 5; minus strand). Cytogenetic location: 17p13.1.
Variant type: single nucleotide variant.
Coding change: c.920G>A on transcript NM_177550.5 (MANE Select); coding-DNA position 920, G replaced by A.
Protein change: p.Arg307Gln; replaces arginine 307 with glutamine.
Molecular consequence: missense variant.
Genome position (GRCh38, 1-based): chr17:6,695,861, C>T on the plus strand (G>A on the coding strand, the complement: SLC13A5 is on the minus strand). VCF-style: chr17-6695861-C-T. GRCh37 (hg19) VCF-style: chr17-6599180-C-T.
Other names: c.920G>A, p.Arg307Gln (NM_001143838.3); c.869G>A, p.Arg290Gln (NM_001284509.2); c.791G>A, p.Arg264Gln (NM_001284510.2); c.920G>A (NM_177550.3); short protein forms R307Q, R264Q, R290Q.
Identifiers: ClinVar variation 582262 (VCV000582262.10), dbSNP rs377021126, ClinGen allele CA8331571.

ClinVar aggregate classification (germline): Uncertain significance. Review status: criteria provided, multiple submitters, no conflicts (2 of 4 stars). 2 submissions from 2 submitters: Uncertain significance (2). Last evaluated 2025-04-15.

Conditions:
Inborn genetic diseases. Identifiers: MedGen C0950123, MeSH D030342.
Developmental and epileptic encephalopathy, 25 (DEE25). Also called: Epileptic encephalopathy, early infantile, 25; Epileptic encephalopathy, early infantile, 25, with amelogenesis imperfecta; Developmental and epileptic encephalopathy 25, with amelogenesis imperfecta. Identifiers: Orphanet 442835, MedGen C4014621, MONDO:0014392, OMIM 615905.

Allele frequency attached by ClinVar (database versions not stated): gnomAD exomes 0.00004 and 0.00002; ExAC 0.00002; gnomAD 0.00004 and 0.00003; TOPMed 0.00005; ESP Exome Variant Server 0.00008.
gnomAD v4.1: 64 of 1,613,976 alleles (0.004%); highest among the groups gnomAD compares: African/African-American, 0.0053%; no homozygotes.

Submissions (2):

Ambry Genetics
Classification: Uncertain significance for Inborn genetic diseases. Last evaluated: 2025-04-15. Review status: criteria provided, single submitter. Criteria: Ambry Variant Classification Scheme 2023. Collection method: clinical testing. Allele origin: germline.

Labcorp Genetics (formerly Invitae), Labcorp
Classification: Uncertain significance for Developmental and epileptic encephalopathy, 25. Last evaluated: 2022-03-15. Review status: criteria provided, single submitter. Criteria: Invitae Variant Classification Sherloc (09022015). Collection method: clinical testing. Allele origin: germline.
Comment: This sequence change replaces arginine, which is basic and polar, with glutamine, which is neutral and polar, at codon 307 of the SLC13A5 protein (p.Arg307Gln). This variant is present in population databases (rs377021126, gnomAD 0.005%). This variant has not been reported in the literature in individuals affected with SLC13A5-related conditions. ClinVar contains an entry for this variant (Variation ID: 582262). Algorithms developed to predict the effect of missense changes on protein structure and function output the following: SIFT: "Tolerated"; PolyPhen-2: "Benign"; Align-GVGD: "Class C0". The glutamine amino acid residue is found in multiple mammalian species, which suggests that this missense change does not adversely affect protein function. In summary, the available evidence is currently insufficient to determine the role of this variant in disease. Therefore, it has been classified as a Variant of Uncertain Significance.